The following is an entry in ClinVar:

NM_000518.5(HBB):c.407C>T (p.Ala136Val)

Genes: HBB (hemoglobin subunit beta; minus strand), LOC107133510 (origin of replication at HBB; plus strand), LOC110006319 (beta-globin gene 3' regulatory region; plus strand). Cytogenetic location: 11p15.4.
Variant type: single nucleotide variant.
Coding change: c.407C>T on transcript NM_000518.5 (MANE Select); coding-DNA position 407, C replaced by T.
Protein change: p.Ala136Val; replaces alanine 136 with valine.
Molecular consequence: missense variant.
Genome position (GRCh38, 1-based): chr11:5,225,635, G>A on the plus strand (C>T on the coding strand, the complement: HBB is on the minus strand). VCF-style: chr11-5225635-G-A. GRCh37 (hg19) VCF-style: chr11-5246865-G-A.
Other names: short protein forms A136V.
Identifiers: ClinVar variation 2682317 (VCV002682317.1), dbSNP rs35669628, ClinGen allele CA5839691.

ClinVar aggregate classification (germline): Uncertain significance (1 of 4 stars; one submission).

Allele frequency attached by ClinVar (database versions not stated): gnomAD exomes 0.00001; ExAC 0.00002.
gnomAD v4.1: 7 of 1,614,006 alleles (0.00043%); highest among the groups gnomAD compares: South Asian, 0.0077%; no homozygotes.

Submission:

Women's Health and Genetics/Laboratory Corporation of America, LabCorp
Classification: Uncertain significance. Last evaluated: 2023-11-01. Review status: criteria provided, single submitter. Criteria: LabCorp Variant Classification Summary - May 2015. Collection method: clinical testing. Allele origin: germline.
Comment: Variant summary: HBB c.407C>T (p.Ala136Val) results in a non-conservative amino acid change in the encoded protein sequence. Three of five in-silico tools predict a damaging effect of the variant on protein function. The variant allele was found at a frequency of 1.6e-05 in 251362 control chromosomes (gnomAD). The available data on variant occurrences in the general population are insufficient to allow any conclusion about variant significance. c.407C>T has been reported in the literature in at least one compound heterozygous individual affected with Hemoglobinopathy (e.g., Godbole_2018). These data do not allow any conclusion about variant significance. At least one publication reports experimental evidence evaluating an impact on protein function, finding that the variant results in a mildly decreased oxygen affinity (e.g., Zubriggen_2009). The following publications have been ascertained in the context of this evaluation (PMID: 29651865, 29365076, 19958196). No submitters have reported clinical-significance assessments for this variant to ClinVar after 2014. Additionally, other missense variants have been reported in the literature in individuals affected with hemolytic anemia (c.406G>C (p.Ala136Pro) also known as Hb Altdorf) or silent hemoglobinopathies (c.407C>A (p.Ala136Asp), also known as Hb Beckman), and these other missense variants were found to be unstable and result in changes in oxygen affinity (PMIDs: 8450301, 1261680, 19453576, 26209877; Yucel_2013, no PMID)). Based on the evidence outlined above, the variant was classified as VUS-possibly pathogenic.

Literature cited by the submitters: PubMed 29365076; PubMed 29651865; PubMed 19958196.